The following is an entry in ClinVar:

ClinVar aggregate classification (germline): Conflicting classifications of pathogenicity. Review status: criteria provided, conflicting classifications (1 of 4 stars). 4 submissions from 4 submitters: Uncertain significance (3); Likely benign (1). Last evaluated 2026-06-12.

Conditions:
PKD1-related disorder. Also called: PKD1-related condition.
Inborn genetic diseases. Identifiers: MedGen C0950123, MeSH D030342.

Allele frequency attached by ClinVar (database versions not stated): gnomAD 0.00005; gnomAD exomes 0.00005; ExAC 0.00006; TOPMed 0.00008.
gnomAD v4.1: 76 of 1,604,238 alleles (0.0047%); highest among the groups gnomAD compares: Non-Finnish European, 0.0061%; no homozygotes.

Submissions (4):

PreventionGenetics, part of Exact Sciences
Classification: Uncertain significance for PKD1-related condition. Last evaluated: 2026-06-12. Review status: criteria provided, single submitter. Criteria: ACMG Guidelines, 2015. Collection method: clinical testing. Allele origin: germline.
Comment: The PKD1 c.880A>G variant is predicted to result in the amino acid substitution p.Ile294Val. To our knowledge, this variant has not been reported in the literature. This variant is reported in 0.0053% of alleles in individuals of European (Non-Finnish) descent in gnomAD. At this time, the clinical significance of this variant is uncertain due to the absence of conclusive functional and genetic evidence.

GeneDx
Classification: Uncertain significance. Last evaluated: 2024-02-29. Review status: criteria provided, single submitter. Criteria: GeneDx Variant Classification Process June 2021. Collection method: clinical testing. Allele origin: germline. Affected: yes.
Comment: In silico analysis supports that this missense variant does not alter protein structure/function; Has not been previously published as pathogenic or benign to our knowledge

Ambry Genetics
Classification: Likely benign for Inborn genetic diseases. Last evaluated: 2023-09-29. Review status: criteria provided, single submitter. Criteria: Ambry Variant Classification Scheme 2023. Collection method: clinical testing. Allele origin: germline.

Mayo Clinic Laboratories, Mayo Clinic
Classification: Uncertain significance. Last evaluated: 2023-06-07. Review status: criteria provided, single submitter. Criteria: ACMG Guidelines, 2015. Collection method: clinical testing. Allele origin: germline. Observed: 3 variant alleles.
Comment: BP4

NM_001009944.3(PKD1):c.880A>G (p.Ile294Val)

Gene: PKD1 (polycystin 1, transient receptor potential channel interacting; minus strand). Cytogenetic location: 16p13.3.
Variant type: single nucleotide variant.
Coding change: c.880A>G on transcript NM_001009944.3 (MANE Select); coding-DNA position 880, A replaced by G.
Protein change: p.Ile294Val; replaces isoleucine 294 with valine.
Molecular consequence: missense variant.
Genome position (GRCh38, 1-based): chr16:2,118,112, T>C on the plus strand (A>G on the coding strand, the complement: PKD1 is on the minus strand). VCF-style: chr16-2118112-T-C. GRCh37 (hg19) VCF-style: chr16-2168113-T-C.
Other names: p.Ile294Val; c.880A>G (NM_000296.3); c.880A>G, p.Ile294Val (NM_000296.4); short protein forms I294V.
Identifiers: ClinVar variation 2683342 (VCV002683342.4), dbSNP rs780058314, ClinGen allele CA7833647.